The following is an entry in ClinVar:

ClinVar aggregate classification (germline): Uncertain significance (1 of 4 stars; one submission).

Allele frequency attached by ClinVar (database versions not stated): gnomAD 0.00001; gnomAD exomes 0.00001; TOPMed 0.00002.
gnomAD v4.1: 11 of 1,613,926 alleles (0.00068%); highest among the groups gnomAD compares: Admixed American, 0.012%; no homozygotes.

Submission:

Labcorp Genetics (formerly Invitae), Labcorp
Classification: Uncertain significance. Last evaluated: 2025-03-15. Review status: criteria provided, single submitter. Criteria: Invitae Variant Classification Sherloc (09022015). Collection method: clinical testing. Allele origin: germline.
Comment: This sequence change replaces arginine, which is basic and polar, with lysine, which is basic and polar, at codon 666 of the ADGRE2 protein (p.Arg666Lys). This variant is present in population databases (no rsID available, gnomAD 0.01%). This variant has not been reported in the literature in individuals affected with ADGRE2-related conditions. ClinVar contains an entry for this variant (Variation ID: 1901043). An algorithm developed to predict the effect of missense changes on protein structure and function (PolyPhen-2) suggests that this variant is likely to be disruptive. In summary, the available evidence is currently insufficient to determine the role of this variant in disease. Therefore, it has been classified as a Variant of Uncertain Significance.

NM_013447.4(ADGRE2):c.1997G>A (p.Arg666Lys)

Gene: ADGRE2 (adhesion G protein-coupled receptor E2; minus strand). Cytogenetic location: 19p13.12.
Variant type: single nucleotide variant.
Coding change: c.1997G>A on transcript NM_013447.4 (MANE Select); coding-DNA position 1997, G replaced by A.
Protein change: p.Arg666Lys; replaces arginine 666 with lysine.
Molecular consequence: missense variant.
Genome position (GRCh38, 1-based): chr19:14,751,463, C>T on the plus strand (G>A on the coding strand, the complement: ADGRE2 is on the minus strand). VCF-style: chr19-14751463-C-T. GRCh37 (hg19) VCF-style: chr19-14862275-C-T.
Other names: c.1823G>A, p.Arg608Lys (NM_001271052.1); c.1850G>A, p.Arg617Lys (NM_152916.2); c.1718G>A, p.Arg573Lys (NM_152917.2); short protein forms R608K, R617K, R666K, R573K.
Identifiers: ClinVar variation 1901043 (VCV001901043.5), dbSNP rs1469505911, ClinGen allele CA404452750.